The following is an entry in ClinVar:

NM_139276.3(STAT3):c.2123C>G (p.Thr708Ser)

Gene: STAT3 (signal transducer and activator of transcription 3; minus strand). Cytogenetic location: 17q21.2.
Variant type: single nucleotide variant.
Coding change: c.2123C>G on transcript NM_139276.3 (MANE Select); coding-DNA position 2123, C replaced by G.
Protein change: p.Thr708Ser; replaces threonine 708 with serine.
Molecular consequence: missense variant. On other transcripts: intron variant (1).
Genome position (GRCh38, 1-based): chr17:42,317,203, G>C on the plus strand (C>G on the coding strand, the complement: STAT3 is on the minus strand). VCF-style: chr17-42317203-G-C. GRCh37 (hg19) VCF-style: chr17-40469221-G-C.
Other names: c.2120C>G, p.Thr707Ser (NM_001369514.1, NM_001369516.1, NM_001369519.1 and 2 more transcripts); c.2123C>G, p.Thr708Ser (NM_001369517.1, NM_001369518.1, NM_001384993.1 and 3 more transcripts); c.2039C>G, p.Thr680Ser (NM_001384984.1); c.2045C>G, p.Thr682Ser (NM_001384985.1); c.2135C>G, p.Thr712Ser (NM_001384986.1); c.2102C>G, p.Thr701Ser (NM_001384987.1); c.2024C>G, p.Thr675Ser (NM_001384989.1); c.2138C>G, p.Thr713Ser (NM_001384990.1); and 3 more; short protein forms T675S, T680S, T682S, T688S, T699S, T701S, T707S, T708S.
Identifiers: ClinVar variation 1339186 (VCV001339186.2), dbSNP rs2144622906, ClinGen allele CA399580218.

ClinVar aggregate classification (germline): Likely pathogenic (1 of 4 stars; one submission).

Conditions:
Hyper-IgE recurrent infection syndrome 1, autosomal dominant. Also called: JOB SYNDROME; Job's Syndrome; STAT3 Hyper IgE Syndrome; Hyper-IgE recurrent infection syndrome 1; HYPER-IgE SYNDROME 1, AUTOSOMAL DOMINANT, WITH RECURRENT INFECTIONS. Identifiers: Orphanet 2314, MedGen C2936739, MONDO:0007818, OMIM 147060.

Submission:

Neuberg Centre For Genomic Medicine, NCGM
Classification: Likely pathogenic for Hyper-IgE recurrent infection syndrome 1, autosomal dominant. Review status: criteria provided, single submitter. Criteria: ACMG Guidelines, 2015. Collection method: clinical testing. Allele origin: germline. Affected: yes.
Comment: The missense variant p.T708S in STAT3 (NM_139276.3) has been previously reported in patient with Hyper IgE syndrome ( Woellner C et al., 2010). This variant occurs at functionaly important transactivation domain of STAT3 gene. The p.T708S variant is novel (not in any individuals) in gnomAD Exomes and is novel (not in any individuals) in 1000 Genomes. The p.T708S missense variant is predicted to be damaging by both SIFT and PolyPhen2. The threonine residue at codon 708 of STAT3 is conserved in all mammalian species. The nucleotide c.2123 in STAT3 is predicted conserved by GERP++ and PhyloP across 100 vertebrates. For these reasons, this variant has been classified as Likely Pathogenic.